The following is an entry in ClinVar:

NM_001142800.2(EYS):c.1929T>C (p.Asp643=)

Gene: EYS (EGF-like photoreceptor maintenance factor; minus strand). Cytogenetic location: 6q12.
Variant type: single nucleotide variant.
Coding change: c.1929T>C on transcript NM_001142800.2 (MANE Select); coding-DNA position 1929, T replaced by C.
Protein change: p.Asp643=; no amino-acid change (aspartic acid 643 retained).
Molecular consequence: synonymous variant.
Genome position (GRCh38, 1-based): chr6:65,295,957, A>G on the plus strand (T>C on the coding strand, the complement: EYS is on the minus strand). VCF-style: chr6-65295957-A-G. GRCh37 (hg19) VCF-style: chr6-66005850-A-G.
Other names: c.1929T>C, p.Asp643= (NM_001292009.2); c.1929T>C (NM_001142800.1).
Identifiers: ClinVar variation 1136057 (VCV001136057.12), dbSNP rs1412901872, ClinGen allele CA450860223.

ClinVar aggregate classification (germline): Likely benign. Review status: criteria provided, multiple submitters, no conflicts (2 of 4 stars). 4 submissions from 4 submitters: Likely benign (3). 1 of the submissions does not count toward it. Last evaluated 2026-01-24.

Conditions:
EYS-related disorder. Also called: EYS-related condition.
Retinal dystrophy. Also called: Inherited retinal dystrophy. Identifiers: Orphanet 71862, MedGen C0854723, MeSH D058499, MONDO:0019118, HP:0000556.

Allele frequency attached by ClinVar (database versions not stated): gnomAD 0.00001; gnomAD exomes 0.00001 and 0.00002.
gnomAD v4.1: 20 of 1,551,092 alleles (0.0013%); highest among the groups gnomAD compares: East Asian, 0.044%; no homozygotes.

Submissions (4):

Labcorp Genetics (formerly Invitae), Labcorp
Classification: Likely benign. Last evaluated: 2026-01-24. Review status: criteria provided, single submitter. Criteria: Invitae Variant Classification Sherloc (09022015). Collection method: clinical testing. Allele origin: germline.

Dept Of Ophthalmology, Nagoya University
Classification: Likely benign for Retinal dystrophy. Last evaluated: 2023-10-01. Review status: criteria provided, single submitter. Criteria: Submitter's publication. Collection method: research. Allele origin: germline. Affected: yes.

Blueprint Genetics
Classification: Likely benign. Last evaluated: 2022-04-09. Review status: criteria provided, single submitter. Criteria: ACMG Guidelines, 2015. Collection method: clinical testing. Allele origin: germline.

PreventionGenetics, part of Exact Sciences
Classification: Likely benign for EYS-related condition. Last evaluated: 2024-09-05. Review status: no assertion criteria provided. Collection method: clinical testing. Allele origin: germline. Not counted in ClinVar's aggregate classification.
Comment: This variant is classified as likely benign based on ACMG/AMP sequence variant interpretation guidelines (Richards et al. 2015 PMID: 25741868, with internal and published modifications).